The following is an entry in ClinVar:

ClinVar aggregate classification (germline): Uncertain significance (1 of 4 stars; one submission).

Conditions:
RYR1-related disorder. Also called: RYR1-related condition; RYR1-related disorders. Identifiers: MedGen CN239331.

Submission:

Labcorp Genetics (formerly Invitae), Labcorp
Classification: Uncertain significance for RYR1-related disorder. Last evaluated: 2025-09-06. Review status: criteria provided, single submitter. Criteria: Invitae Variant Classification Sherloc (09022015). Collection method: clinical testing. Allele origin: germline.
Comment: This variant, c.13865_13876del, results in the deletion of 4 amino acid(s) of the RYR1 protein (p.Gly4622_Asp4625del), but otherwise preserves the integrity of the reading frame. This variant is not present in population databases (gnomAD no frequency). This variant has not been reported in the literature in individuals affected with RYR1-related conditions. Experimental studies and prediction algorithms are not available or were not evaluated, and the functional significance of this variant is currently unknown. In summary, the available evidence is currently insufficient to determine the role of this variant in disease. Therefore, it has been classified as a Variant of Uncertain Significance.

NM_000540.3(RYR1):c.13865_13876del (p.Gly4622_Asp4625del)

Gene: RYR1 (ryanodine receptor 1; plus strand). Cytogenetic location: 19q13.2.
Variant type: Deletion.
Coding change: c.13865_13876del on transcript NM_000540.3 (MANE Select); coding-DNA positions 13865 to 13876, 12 bases deleted (GCGATGAGGATG).
Protein change: p.Gly4622_Asp4625del.
Molecular consequence: inframe deletion.
Genome position (GRCh38, 1-based): chr19:38,572,137-38,572,148, GCGATGAGGATG deleted; deleting any 12 consecutive bases within chr19:38,572,136-38,572,148 gives the same sequence; the c. name uses the placement nearest the transcript's 3' end. VCF-style (leftmost placement, unchanged base first): chr19-38572135-GGGCGATGAGGAT-G. GRCh37 (hg19) VCF-style: chr19-39062775-GGGCGATGAGGAT-G.
Other names: c.13850_13861del, p.Gly4617_Asp4620del (NM_001042723.2).
Identifiers: ClinVar variation 4726740 (VCV004726740.1).